The following is an entry in ClinVar:

NM_001122769.3(LCA5):c.871G>T (p.Glu291Ter)

Gene: LCA5 (lebercilin LCA5; minus strand). Cytogenetic location: 6q14.1.
Variant type: single nucleotide variant.
Coding change: c.871G>T on transcript NM_001122769.3 (MANE Select); coding-DNA position 871, G replaced by T.
Protein change: p.Glu291Ter; replaces glutamic acid 291 with a stop codon.
Molecular consequence: nonsense.
Genome position (GRCh38, 1-based): chr6:79,492,635, C>A on the plus strand (G>T on the coding strand, the complement: LCA5 is on the minus strand). VCF-style: chr6-79492635-C-A. GRCh37 (hg19) VCF-style: chr6-80202352-C-A.
Other names: c.871G>T, p.Glu291Ter (NM_181714.4); short protein forms E291*.
Identifiers: ClinVar variation 964464 (VCV000964464.7), dbSNP rs1769876019, ClinGen allele CA364645146.

ClinVar aggregate classification (germline): Pathogenic (1 of 4 stars; one submission).

Submission:

Labcorp Genetics (formerly Invitae), Labcorp
Classification: Pathogenic. Last evaluated: 2022-07-19. Review status: criteria provided, single submitter. Criteria: Invitae Variant Classification Sherloc (09022015). Collection method: clinical testing. Allele origin: germline.
Comment: ClinVar contains an entry for this variant (Variation ID: 964464). This variant has not been reported in the literature in individuals affected with LCA5-related conditions. This variant is not present in population databases (gnomAD no frequency). This sequence change creates a premature translational stop signal (p.Glu291*) in the LCA5 gene. It is expected to result in an absent or disrupted protein product. Loss-of-function variants in LCA5 are known to be pathogenic (PMID: 17546029, 23946133). For these reasons, this variant has been classified as Pathogenic.

Literature cited by the submitters: PubMed 17546029; PubMed 23946133.